The following is an entry in ClinVar:

ClinVar aggregate classification (germline): Uncertain significance (1 of 4 stars; one submission).

gnomAD v4.1: 1 of 1,612,614 alleles (0.000062%); highest among the groups gnomAD compares: Non-Finnish European, 0.000085%; no homozygotes.

Submission:

Ambry Genetics
Classification: Uncertain significance. Last evaluated: 2024-10-21. Review status: criteria provided, single submitter. Criteria: Ambry Variant Classification Scheme 2023. Collection method: clinical testing. Allele origin: germline.
Comment: The p.I1557V variant (also known as c.4669A>G), located in coding exon 16 of the POLQ gene, results from an A to G substitution at nucleotide position 4669. The isoleucine at codon 1557 is replaced by valine, an amino acid with highly similar properties. This amino acid position is conserved. In addition, this alteration is predicted to be tolerated by in silico analysis. Based on the available evidence, the clinical significance of this variant remains unclear.

NM_199420.4(POLQ):c.4669A>G (p.Ile1557Val)

Gene: POLQ (DNA polymerase theta; minus strand). Cytogenetic location: 3q13.33.
Variant type: single nucleotide variant.
Coding change: c.4669A>G on transcript NM_199420.4 (MANE Select); coding-DNA position 4669, A replaced by G.
Protein change: p.Ile1557Val; replaces isoleucine 1557 with valine.
Molecular consequence: missense variant.
Genome position (GRCh38, 1-based): chr3:121,488,262, T>C on the plus strand (A>G on the coding strand, the complement: POLQ is on the minus strand). VCF-style: chr3-121488262-T-C. GRCh37 (hg19) VCF-style: chr3-121207109-T-C.
Other names: short protein forms I1557V.
Identifiers: ClinVar variation 3422608 (VCV003422608.1).